The following is an entry in ClinVar:

ClinVar aggregate classification (germline): Uncertain significance (1 of 4 stars; one submission).

Conditions:
Fanconi anemia (FA). Also called: Fanconi's anemia. Identifiers: Orphanet 84, MedGen C0015625, MeSH D005199, MONDO:0019391.

gnomAD v4.1: 2 of 1,596,792 alleles (0.00013%); highest among the groups gnomAD compares: East Asian, 0.0045%; no homozygotes.

Submission:

Labcorp Genetics (formerly Invitae), Labcorp
Classification: Uncertain significance for Fanconi anemia. Last evaluated: 2025-02-15. Review status: criteria provided, single submitter. Criteria: Invitae Variant Classification Sherloc (09022015). Collection method: clinical testing. Allele origin: germline.
Comment: This sequence change replaces histidine, which is basic and polar, with arginine, which is basic and polar, at codon 369 of the FANCM protein (p.His369Arg). This variant is not present in population databases (gnomAD no frequency). This variant has not been reported in the literature in individuals affected with FANCM-related conditions. An algorithm developed to predict the effect of missense changes on protein structure and function (PolyPhen-2) suggests that this variant is likely to be tolerated. In summary, the available evidence is currently insufficient to determine the role of this variant in disease. Therefore, it has been classified as a Variant of Uncertain Significance.

NM_020937.4(FANCM):c.1106A>G (p.His369Arg)

Gene: FANCM (FA complementation group M; plus strand). Cytogenetic location: 14q21.2.
Variant type: single nucleotide variant.
Coding change: c.1106A>G on transcript NM_020937.4 (MANE Select); coding-DNA position 1106, A replaced by G.
Protein change: p.His369Arg; replaces histidine 369 with arginine.
Molecular consequence: missense variant.
Genome position (GRCh38, 1-based): chr14:45,153,975, A>G. VCF-style: chr14-45153975-A-G. GRCh37 (hg19) VCF-style: chr14-45623178-A-G.
Other names: c.1028A>G, p.His343Arg (NM_001308133.2); c.1106A>G, p.His369Arg (NM_001308134.2); short protein forms H343R, H369R.
Identifiers: ClinVar variation 4699029 (VCV004699029.1).
Genomic context (GRCh38, chr14:45,153,975, plus strand): 5'-TCTAGGGAATACAACAAGGCATAATCGAGGGAGAGTTTGCTATTTGTATTAGTTTATATC[A>G]TGGTTATGAATTATTGCAGCAAATGGGAATGAGATCATTATATTTCTTCCTTTGTGGAAT-3'
Protein context (NP_065988.1, residues 359-379): GEFAICISLY[His369Arg]GYELLQQMGM